The following is an entry in ClinVar:

NM_020843.4(SCAPER):c.2415A>T (p.Val805=)

Gene: SCAPER (S-phase cyclin A associated protein in the ER; minus strand). Cytogenetic location: 15q24.3.
Variant type: single nucleotide variant.
Coding change: c.2415A>T on transcript NM_020843.4 (MANE Select); coding-DNA position 2415, A replaced by T.
Protein change: p.Val805=; no amino-acid change (valine 805 retained).
Molecular consequence: synonymous variant. On other transcripts: non-coding transcript variant (1).
Genome position (GRCh38, 1-based): chr15:76,701,851, T>A on the plus strand (A>T on the coding strand, the complement: SCAPER is on the minus strand). VCF-style: chr15-76701851-T-A. GRCh37 (hg19) VCF-style: chr15-76994192-T-A.
Other names: c.2433A>T (NM_001353009.1); c.1677A>T, p.Val559= (NM_001145923.2); c.2433A>T, p.Val811= (NM_001353009.2); c.2013A>T, p.Val671= (NM_001353010.2, NM_001353012.2); c.2031A>T, p.Val677= (NM_001353011.2).
Identifiers: ClinVar variation 740846 (VCV000740846.5), dbSNP rs373879650, ClinGen allele CA7674709.

ClinVar aggregate classification (germline): Likely benign. Review status: criteria provided, multiple submitters, no conflicts (2 of 4 stars). 3 submissions from 3 submitters: Likely benign (2). 1 of the submissions does not count toward it. Last evaluated 2022-11-19.

Conditions:
SCAPER-related disorder. Also called: SCAPER-related condition.

Allele frequency attached by ClinVar (database versions not stated): ExAC 0.00003; gnomAD exomes 0.00004; ESP Exome Variant Server 0.00017; TOPMed 0.00022; gnomAD 0.00028 and 0.00030.
gnomAD v4.1: 78 of 1,613,522 alleles (0.0048%); highest among the groups gnomAD compares: African/African-American, 0.096%; no homozygotes.

Submissions (3):

Blueprint Genetics
Classification: Likely benign. Last evaluated: 2022-11-19. Review status: criteria provided, single submitter. Criteria: ACMG Guidelines, 2015. Collection method: clinical testing. Allele origin: germline.

Labcorp Genetics (formerly Invitae), Labcorp
Classification: Likely benign. Last evaluated: 2018-09-24. Review status: criteria provided, single submitter. Criteria: Invitae Variant Classification Sherloc (09022015). Collection method: clinical testing. Allele origin: germline.

PreventionGenetics, part of Exact Sciences
Classification: Likely benign for SCAPER-related condition. Last evaluated: 2024-07-26. Review status: no assertion criteria provided. Collection method: clinical testing. Allele origin: germline. Not counted in ClinVar's aggregate classification.
Comment: This variant is classified as likely benign based on ACMG/AMP sequence variant interpretation guidelines (Richards et al. 2015 PMID: 25741868, with internal and published modifications).